The following is an entry in ClinVar:

ClinVar aggregate classification (germline): Uncertain significance. Review status: criteria provided, single submitter (1 of 4 stars). 2 submissions from 2 submitters: Uncertain significance (1). 1 of the submissions does not count toward it. Last evaluated 2022-08-16.

Conditions:
Nemaline myopathy 2 (NEM2). Also called: Nemaline myopathy 2, autosomal recessive. Identifiers: MedGen C1850569, MONDO:0009725, OMIM 256030.

Allele frequency attached by ClinVar (database versions not stated): gnomAD below 0.00001 and 0.00001; gnomAD exomes 0.00002 and 0.00004; ExAC 0.00003.
gnomAD v4.1: 25 of 1,612,632 alleles (0.0016%); highest among the groups gnomAD compares: South Asian, 0.026%; no homozygotes.

Submissions (2):

Labcorp Genetics (formerly Invitae), Labcorp
Classification: Uncertain significance for Nemaline myopathy 2. Last evaluated: 2022-08-16. Review status: criteria provided, single submitter. Criteria: Invitae Variant Classification Sherloc (09022015). Collection method: clinical testing. Allele origin: germline.
Comment: This sequence change replaces glycine, which is neutral and non-polar, with serine, which is neutral and polar, at codon 3040 of the NEB protein (p.Gly3040Ser). This variant is present in population databases (rs758739517, gnomAD 0.03%). This variant has not been reported in the literature in individuals affected with NEB-related conditions. ClinVar contains an entry for this variant (Variation ID: 1010025). Algorithms developed to predict the effect of missense changes on protein structure and function are either unavailable or do not agree on the potential impact of this missense change (SIFT: "Deleterious"; PolyPhen-2: "Not Available"; Align-GVGD: "Class C0"). In summary, the available evidence is currently insufficient to determine the role of this variant in disease. Therefore, it has been classified as a Variant of Uncertain Significance.

Natera, Inc.
Classification: Uncertain significance for Nemaline myopathy type 2. Last evaluated: 2020-01-24. Review status: no assertion criteria provided. Collection method: clinical testing. Allele origin: germline. Not counted in ClinVar's aggregate classification.

NM_001164508.2(NEB):c.9118G>A (p.Gly3040Ser)

Gene: NEB (nebulin; minus strand). Cytogenetic location: 2q23.3.
Variant type: single nucleotide variant.
Coding change: c.9118G>A on transcript NM_001164508.2 (MANE Select); coding-DNA position 9118, G replaced by A.
Protein change: p.Gly3040Ser; replaces glycine 3040 with serine.
Molecular consequence: missense variant. On other transcripts: intron variant (1).
Genome position (GRCh38, 1-based): chr2:151,633,950, C>T on the plus strand (G>A on the coding strand, the complement: NEB is on the minus strand). VCF-style: chr2-151633950-C-T. GRCh37 (hg19) VCF-style: chr2-152490464-C-T.
Other names: c.9118G>A, p.Gly3040Ser (NM_001164507.2, NM_001271208.2); c.8854-2772G>A (NM_004543.5); short protein forms G3040S.
Identifiers: ClinVar variation 1010025 (VCV001010025.6), dbSNP rs758739517, ClinGen allele CA1909404.